The following is an entry in ClinVar:

ClinVar aggregate classification (germline): Likely pathogenic (1 of 4 stars; one submission).

Conditions:
Spermatogenic failure 86 (SPGF86). Identifiers: MedGen C5882755, MONDO:0957593, OMIM 620499.

Submission:

Juno Genomics, Hangzhou Juno Genomics, Inc
Classification: Likely pathogenic for Spermatogenic failure 86. Review status: criteria provided, single submitter. Criteria: ACMG Guidelines, 2015. Collection method: clinical testing. Allele origin: germline. Affected: yes.
Comment: Absent from controls (or at extremely low frequency if recessive) in Genome Aggregation Database, Exome Sequencing Project, 1000 Genomes Project, or Exome Aggregation Consortium.;For recessive disorders, detected in trans with a pathogenic variant.;Patient's phenotype or family history is highly specific for a disease with a single genetic etiology.;Multiple lines of computational evidence support a deleterious effect on the gene or gene product (conservation, evolutionary, splicing impact, etc).

NM_006687.4(ACTL7A):c.1204G>A (p.Gly402Ser)

Gene: ACTL7A (actin like 7A; plus strand). Cytogenetic location: 9q31.3.
Variant type: single nucleotide variant.
Coding change: c.1204G>A on transcript NM_006687.4 (MANE Select); coding-DNA position 1204, G replaced by A.
Protein change: p.Gly402Ser; replaces glycine 402 with serine.
Molecular consequence: missense variant.
Genome position (GRCh38, 1-based): chr9:108,863,526, G>A. VCF-style: chr9-108863526-G-A. GRCh37 (hg19) VCF-style: chr9-111625806-G-A.
Other names: short protein forms G402S.
Identifiers: ClinVar variation 3382161 (VCV003382161.2).